The following is an entry in ClinVar:

ClinVar aggregate classification (germline): Uncertain significance (1 of 4 stars; one submission).

Conditions:
Schuurs-Hoeijmakers syndrome. Also called: PACS1-Related Neurodevelopmental Disorder. Identifiers: Orphanet 329224, MedGen C3554343, MONDO:0014006, OMIM 615009.

Submission:

Labcorp Genetics (formerly Invitae), Labcorp
Classification: Uncertain significance for Schuurs-Hoeijmakers syndrome. Last evaluated: 2022-09-29. Review status: criteria provided, single submitter. Criteria: Invitae Variant Classification Sherloc (09022015). Collection method: clinical testing. Allele origin: germline.
Comment: This sequence change replaces serine, which is neutral and polar, with arginine, which is basic and polar, at codon 694 of the PACS1 protein (p.Ser694Arg). This variant is not present in population databases (gnomAD no frequency). This variant has not been reported in the literature in individuals affected with PACS1-related conditions. Advanced modeling of protein sequence and biophysical properties (such as structural, functional, and spatial information, amino acid conservation, physicochemical variation, residue mobility, and thermodynamic stability) performed at Invitae indicates that this missense variant is not expected to disrupt PACS1 protein function. In summary, the available evidence is currently insufficient to determine the role of this variant in disease. Therefore, it has been classified as a Variant of Uncertain Significance.

NM_018026.4(PACS1):c.2082T>G (p.Ser694Arg)

Gene: PACS1 (phosphofurin acidic cluster sorting protein 1; plus strand). Cytogenetic location: 11q13.2.
Variant type: single nucleotide variant.
Coding change: c.2082T>G on transcript NM_018026.4 (MANE Select); coding-DNA position 2082, T replaced by G.
Protein change: p.Ser694Arg; replaces serine 694 with arginine.
Molecular consequence: missense variant.
Genome position (GRCh38, 1-based): chr11:66,234,220, T>G. VCF-style: chr11-66234220-T-G. GRCh37 (hg19) VCF-style: chr11-66001691-T-G.
Other names: short protein forms S694R.
Identifiers: ClinVar variation 2172737 (VCV002172737.4), dbSNP rs2495589884, ClinGen allele CA381374676.